The following is an entry in ClinVar:

NM_058216.3(RAD51C):c.14C>G (p.Thr5Arg)

Gene: RAD51C (RAD51 paralog C; plus strand). Cytogenetic location: 17q22.
Variant type: single nucleotide variant.
Coding change: c.14C>G on transcript NM_058216.3 (MANE Select); coding-DNA position 14, C replaced by G.
Protein change: p.Thr5Arg; replaces threonine 5 with arginine.
Molecular consequence: missense variant. On other transcripts: non-coding transcript variant (2).
Genome position (GRCh38, 1-based): chr17:58,692,657, C>G. VCF-style: chr17-58692657-C-G. GRCh37 (hg19) VCF-style: chr17-56770018-C-G.
Other names: c.14C>G, p.Thr5Arg (NM_002876.4); short protein forms T5R.
Identifiers: ClinVar variation 484753 (VCV000484753.16), dbSNP rs201523760, ClinGen allele CA8677119.

ClinVar aggregate classification (germline): Conflicting classifications of pathogenicity. Review status: criteria provided, conflicting classifications (1 of 4 stars). 4 submissions from 4 submitters: Uncertain significance (3); Benign (1). Last evaluated 2025-10-08.

Conditions:
Hereditary cancer-predisposing syndrome. Also called: Hereditary neoplastic syndrome; Neoplastic Syndromes, Hereditary; Tumor predisposition; Hereditary Cancer Syndrome. Identifiers: Orphanet 140162, MedGen C0027672, MeSH D009386, MONDO:0015356.
Fanconi anemia complementation group O. Also called: RAD51C-Related Fanconi Anemia. Identifiers: Orphanet 84, MedGen C3150653, MONDO:0013248, OMIM 613390.
Breast-ovarian cancer, familial, susceptibility to, 3. Also called: RAD51C-Related Breast/Ovarian Cancer. Identifiers: Orphanet 145, MedGen C3150659, MONDO:0013253, OMIM 613399.

gnomAD v4.1: 2 of 1,614,198 alleles (0.00012%); highest among the groups gnomAD compares: Non-Finnish European, 0.00017%; no homozygotes.

Submissions (4):

Ambry Genetics
Classification: Benign for Hereditary cancer-predisposing syndrome. Last evaluated: 2025-10-08. Review status: criteria provided, single submitter. Criteria: Ambry Variant Classification Scheme 2023. Collection method: clinical testing. Allele origin: germline.

Labcorp Genetics (formerly Invitae), Labcorp
Classification: Uncertain significance for Fanconi anemia complementation group O. Last evaluated: 2024-05-29. Review status: criteria provided, single submitter. Criteria: Invitae Variant Classification Sherloc (09022015). Collection method: clinical testing. Allele origin: germline.
Comment: This sequence change replaces threonine, which is neutral and polar, with arginine, which is basic and polar, at codon 5 of the RAD51C protein (p.Thr5Arg). This variant is present in population databases (rs201523760, gnomAD 0.0009%). This variant has not been reported in the literature in individuals affected with RAD51C-related conditions. ClinVar contains an entry for this variant (Variation ID: 484753). An algorithm developed to predict the effect of missense changes on protein structure and function (PolyPhen-2) suggests that this variant is likely to be tolerated. In summary, the available evidence is currently insufficient to determine the role of this variant in disease. Therefore, it has been classified as a Variant of Uncertain Significance.

Baylor Genetics
Classification: Uncertain significance for Breast-ovarian cancer, familial, susceptibility to, 3. Last evaluated: 2023-05-24. Review status: criteria provided, single submitter. Criteria: ACMG Guidelines, 2015. Collection method: clinical testing. Allele origin: unknown.

Color Diagnostics, LLC DBA Color Health
Classification: Uncertain significance for Hereditary cancer-predisposing syndrome. Last evaluated: 2019-07-25. Review status: criteria provided, single submitter. Criteria: ACMG Guidelines, 2015. Collection method: clinical testing. Allele origin: germline.
Comment: This missense variant replaces threonine with arginine at codon 5 of the RAD51C protein. Computational prediction tools and conservation analyses suggest that this variant may not impact the protein function. Computational splicing tools suggest that this variant may not impact RNA splicing. To our knowledge, functional assays have not been performed for this variant nor has this variant been reported in individuals affected with hereditary cancer in the literature. This variant has been identified in 1/251372 chromosomes in the general population by the Genome Aggregation Database (gnomAD). Available evidence is insufficient to determine the role of this variant in disease conclusively. Therefore, this variant is classified as a Variant of Uncertain Significance.

Literature cited by the submitters: PubMed 26261251 (cited by Ambry Genetics); PubMed 26689913 (cited by Ambry Genetics).